The following is an entry in ClinVar:

ClinVar aggregate classification (germline): Conflicting classifications of pathogenicity. Review status: criteria provided, conflicting classifications (1 of 4 stars). 3 submissions from 3 submitters: Uncertain significance (2); Likely benign (1). Last evaluated 2024-08-23.

Conditions:
Severe combined immunodeficiency due to IKK2 deficiency. Also called: IMMUNODEFICIENCY 15B; Immunodeficiency 15. Identifiers: Orphanet 397787, MedGen C4747743, MONDO:0014267, OMIM 615592.
Inborn genetic diseases. Identifiers: MedGen C0950123, MeSH D030342.

Allele frequency attached by ClinVar (database versions not stated): gnomAD 0.00002; gnomAD exomes 0.00002 and 0.00003; ExAC 0.00004; ESP Exome Variant Server 0.00008; TOPMed 0.00008.
gnomAD v4.1: 33 of 1,613,944 alleles (0.002%); highest among the groups gnomAD compares: South Asian, 0.016%; 1 homozygote.

Submissions (3):

Labcorp Genetics (formerly Invitae), Labcorp
Classification: Likely benign for Severe combined immunodeficiency due to IKK2 deficiency. Last evaluated: 2024-08-23. Review status: criteria provided, single submitter. Criteria: Invitae Variant Classification Sherloc (09022015). Collection method: clinical testing. Allele origin: germline.

Ambry Genetics
Classification: Uncertain significance for Inborn genetic diseases. Last evaluated: 2024-04-12. Review status: criteria provided, single submitter. Criteria: Ambry Variant Classification Scheme 2023. Collection method: clinical testing. Allele origin: germline.

CeGaT Center for Human Genetics Tuebingen
Classification: Uncertain significance. Last evaluated: 2024-01-01. Review status: criteria provided, single submitter. Criteria: CeGaT Center For Human Genetics Tuebingen Variant Classification Criteria Version 2. Collection method: clinical testing. Allele origin: germline. Affected: yes. Observed: 1 variant allele.
Comment: IKBKB: PM2, PM5, BS2

NM_001556.3(IKBKB):c.1190A>G (p.Tyr397Cys)

Gene: IKBKB (inhibitor of nuclear factor kappa B kinase subunit beta; plus strand). Cytogenetic location: 8p11.21.
Variant type: single nucleotide variant.
Coding change: c.1190A>G on transcript NM_001556.3 (MANE Select); coding-DNA position 1190, A replaced by G.
Protein change: p.Tyr397Cys; replaces tyrosine 397 with cysteine.
Molecular consequence: missense variant. On other transcripts: non-coding transcript variant (3).
Genome position (GRCh38, 1-based): chr8:42,317,721, A>G. VCF-style: chr8-42317721-A-G. GRCh37 (hg19) VCF-style: chr8-42175239-A-G.
Other names: c.998A>G, p.Tyr333Cys (NM_001190720.3); c.1013A>G, p.Tyr338Cys (NM_001242778.2); short protein forms Y338C, Y397C, Y333C.
Identifiers: ClinVar variation 659810 (VCV000659810.33), dbSNP rs148097786, ClinGen allele CA4731921.
Genomic context (GRCh38, chr8:42,317,721, plus strand): 5'-ATGAGGGCCACACATTGGACATGGATCTTGTTTTTCTCTTTGACAACAGTAAAATCACCT[A>G]TGAGACTCAGATCTCCCCACGGCCCCAACCTGAAAGTGTCAGCTGTATCCGTAAGAATTT-3'
Protein context (NP_001547.1, residues 387-407): VFLFDNSKIT[Tyr397Cys]ETQISPRPQP